The following is an entry in ClinVar:

ClinVar aggregate classification (germline): Uncertain significance. Review status: criteria provided, multiple submitters, no conflicts (2 of 4 stars). 2 submissions from 2 submitters: Uncertain significance (2). Last evaluated 2026-04-10.

Conditions:
Amyotrophic lateral sclerosis (ALS). Also called: Charcot disease; Lou Gehrig disease. Identifiers: Orphanet 803, MedGen C0002736, MONDO:0004976, HP:0007354.

Submissions (2):

Department of Neurology, Brain Research Institute, Niigata University
Classification: Uncertain significance for Amyotrophic lateral sclerosis. Last evaluated: 2026-04-10. Review status: criteria provided, single submitter. Criteria: ACMG Guidelines, 2015. Collection method: research. Allele origin: unknown. Affected: yes.

GeneDx
Classification: Uncertain significance. Last evaluated: 2021-11-02. Review status: criteria provided, single submitter. Criteria: GeneDx Variant Classification Process June 2021. Collection method: clinical testing. Allele origin: germline. Affected: yes.
Comment: Has not been previously published as pathogenic or benign to our knowledge; In-frame deletion of 28 amino acids in a repetitive region with no known function; Not observed at a significant frequency in large population cohorts (Lek et al., 2016)

NM_139215.3(TAF15):c.1287_1370del (p.Ser432_Arg459del)

Gene: TAF15 (TATA-box binding protein associated factor 15; plus strand). Cytogenetic location: 17q12.
Variant type: Deletion.
Coding change: c.1287_1370del on transcript NM_139215.3 (MANE Select); coding-DNA positions 1287 to 1370, 84 bases deleted.
Protein change: p.Ser432_Arg459del.
Molecular consequence: inframe deletion.
Genome position (GRCh38, 1-based): chr17:35,844,586-35,844,669, 84 bases deleted. GRCh37 (hg19): chr17:34,171,590-34,171,673.
Other names: c.1278_1361del, p.Ser429_Arg456del (NM_003487.4).
Identifiers: ClinVar variation 1215916 (VCV001215916.6), dbSNP rs1568282429, ClinGen allele CA728397002.